The following continues an entry in ClinVar:

NM_005188.4(CBL):c.1111T>C (p.Tyr371His)

Gene: CBL. ClinVar aggregate classification (germline): Pathogenic/Likely pathogenic. Pathogenic (16); Likely pathogenic (1). ClinVar aggregate classification (somatic clinical impact): Tier II - Potential.

Submissions 10 to 20 of 20:

Victorian Clinical Genetics Services, Murdoch Childrens Research Institute
Classification: Pathogenic for CBL-related disorder. Last evaluated: 2023-07-17. Review status: criteria provided, single submitter. Criteria: ACMG Guidelines, 2015. Collection method: clinical testing. Allele origin: germline. Inheritance: Autosomal dominant inheritance. Affected: yes.
Comment: Based on the classification scheme VCGS_Germline_v1.3.4, this variant is classified as Pathogenic. Following criteria are met: 0105 - The mechanism of disease for this gene is not clearly established. However, dominant negative is a likely mechanism of disease (PMID: 20619386, 20694012). (I) 0107 - This gene is associated with autosomal dominant disease. (I) 0115 - Variants in this gene are known to have variable expressivity. Germline pathogenic CBL variants are associated with variable phenotype (PMID: 25952305). (I) 0200 - Variant is predicted to result in a missense amino acid change from tyrosine to histidine. (I) 0251 - This variant is heterozygous. (I) 0302 - Variant is present in gnomAD (v2) <0.001 for a dominant condition (3 heterozygotes, 0 homozygotes). (SP) 0501 - Missense variant consistently predicted to be damaging by multiple in silico tools and highly conserved with a moderate amino acid change. (SP) 0602 - Variant is located in a hotspot region or cluster of pathogenic variants, adjacent to the Prok-RING 4 domain (DECIPHER; PMIDs: 25358541, 25952305). (SP) 0801 - This variant has strong previous evidence of pathogenicity in unrelated individuals. This variant has been classified as pathogenic by multiple clinical diagnostic laboratories (ClinVar). It has been reported in multiple individuals with Noonan syndrome or Noonan-like features with or without haematology anomalies. and confirmed to be de novo in the several probands (PMIDs: 25283271, 25952305, 28414188). In addition, this variant has been shown to be heterozygous in the germline tissue and homozygous in the somatic tissue (reviewed by PMID: 25952305). (SP) 1208 - Inheritance information for this variant is not currently available in this individual. (I) Legend: (SP) - Supporting pathogenic, (I) - Information, (SB) - Supporting benign

KCCC/NGS Laboratory, Kuwait Cancer Control Center
Classification: Pathogenic for Juvenile myelomonocytic leukemia. Last evaluated: 2023-07-07. Review status: criteria provided, single submitter. Criteria: ACMG Guidelines, 2015. Collection method: clinical testing. Allele origin: unknown. Affected: yes.
Comment: This sequence change replaces tyrosine with histidine at codon 371 of the CBL protein (p.Tyr371His). The tyrosine residue is highly conserved (PhyloP=7.65) .This variant is not present in population databases (GnomAD). This variant has been reported with CBL-Related Disorder, Hematopoietic and Lymphoid Cell Neoplasm and Hematopoietic and Lymphoid System Neoplasm in the following publications: (PMID: 20543203, 25952305, 27609087, 25283271, 19571318, 20694012, 23696637, 24803665, 27577878, 26911351, 28082680, 26676746, 28414188, 32933826). ClinVar contains an entry for this variant (Variation ID: 13811) from seven clinical lab after 2014 and all labs were classified this variant as pathogenic.

Illumina Laboratory Services, Illumina
Classification: Pathogenic. Last evaluated: 2022-11-02. Review status: criteria provided, single submitter. Criteria: ICSL CNVClassificationCriteria Aug2020. Collection method: clinical testing. Allele origin: unknown. Affected: yes.
Comment: The CBL c.1111T>C (p.Tyr371His) missense variant results in the substitution of tyrosine at amino acid 371 with histidine. Across a selection of the available literature, this variant has been identified in a heterozygous state in at least 13 individuals with Noonan syndrome-like disorder with or without juvenile monomyelocytic leukemia, including six individuals in which the variant was de novo (PMID: 20543203; PMID: 20694012; PMID: 25283271; PMID: 25952305). There are several instances in which the variant was inherited from a parent, however detailed phenotype is not provided (PMID: 20543203; PMID: 20694012). At least three other missense variants at the same residue have been reported in individuals with the condition (PMID: 20694012). The reported frequency of this allele in the Genome Aggregation Database is 0.000011 in the total population (version 2.1.1). Functional studies have demonstrated a gain-of-function effect for the c.1111T>C variant (PMID: 20694012). Based on the available evidence, the c.1111T>C (p.Tyr371His) variant is classified as pathogenic for Noonan syndrome-like disorder with or without juvenile monomyelocytic leukemia.

Revvity Omics, Revvity
Classification: Pathogenic. Last evaluated: 2022-10-21. Review status: criteria provided, single submitter. Criteria: ACMG Guidelines, 2015. Collection method: clinical testing. Allele origin: germline.

Centre of Medical Genetics, University Hospital Muenster
Classification: Pathogenic. Last evaluated: 2022-07-08. Review status: criteria provided, single submitter. Criteria: ACMG Guidelines, 2015. Collection method: clinical testing. Allele origin: unknown. Affected: yes. Observed: 1 variant allele, 1 heterozygote.
Comment: ACMG categories: PS3,PM1,PM2,PP3,PP5

Mayo Clinic Laboratories, Mayo Clinic
Classification: Pathogenic. Last evaluated: 2021-12-28. Review status: criteria provided, single submitter. Criteria: ACMG Guidelines, 2015. Collection method: clinical testing. Allele origin: germline.
Comment: PP1, PP3, PM1, PS2, PS3, PS4_moderate

Blueprint Genetics
Classification: Pathogenic for CBL-related disorders. Last evaluated: 2021-01-14. Review status: criteria provided, single submitter. Criteria: ACMG Guidelines, 2015. Collection method: clinical testing. Allele origin: germline. Affected: yes. Observed: 1 variant allele.

Institute for Genomic Medicine (IGM) Clinical Laboratory, Nationwide Children's Hospital
Classification: Pathogenic for CBL-related disorder; Juvenile myelomonocytic leukemia. Last evaluated: 2019-12-30. Review status: criteria provided, single submitter. Criteria: ACMG Guidelines, 2015. Collection method: clinical testing. Allele origin: somatic. Affected: no.
Comment: [ACMG/AMP: PS2, PS3, PM1, PP3] This alteration is de novo in origin as it was not detected in the submitted parental specimens (identity confirmed) [PS2], is supported by well-established in vitro or in vivo functional studies to have a damaging effect on protein function or splicing [PS3], is located in a mutational hotspot and/or critical and well-established functional domain [PM1], is predicted to be damaging by multiple functional prediction tools [PP3].

Juno Genomics, Hangzhou Juno Genomics, Inc
Classification: Pathogenic for Juvenile myelomonocytic leukemia; CBL-related disorder. Review status: criteria provided, single submitter. Criteria: ACMG Guidelines, 2015. Collection method: clinical testing. Allele origin: germline. Affected: yes.
Comment: Absent from controls (or at extremely low frequency if recessive) in Genome Aggregation Database.;Located in a mutational hot spot and/or critical and well-established functional domain without benign variation.;The prevalence of the variant in affected individuals is significantly increased compared to the prevalence in controls.;De novo (both maternity and paternity confirmed) in a patient with the disease and no family history.;Well-established in vitro or in vivo functional studies supportive of a damaging effect on the gene or gene product.

PreventionGenetics, part of Exact Sciences
Classification: Pathogenic for CBL-related condition. Last evaluated: 2024-06-20. Review status: no assertion criteria provided. Collection method: clinical testing. Allele origin: germline. Not counted in ClinVar's aggregate classification.
Comment: The CBL c.1111T>C variant is predicted to result in the amino acid substitution p.Tyr371His. This variant has been reported as a heterozygous germline variant in patients with juvenile myelomonocytic leukemia (JMML) (Pathak et al. 2015. PubMed ID: 25939664), in patients with Noonan syndrome-like disorder with or without JMML (Perez et al. 2010. PubMed ID: 20543203; Neimeyer et al. 2010. PubMed ID: 20694012), and in unaffected family members of patients with JMML (Perez et al. 2010. PubMed ID: 20543203; Pathak et al. 2015. PubMed ID: 25939664), suggesting that this variant is incompletely penetrant. In patients with JMML, analysis of leukemia cells showed a somatically acquired loss of heterozygosity of chromosome 11q23, containing the CBL (Loh et al. 2009. PubMed ID: 19571318; Perez et al. 2010. PubMed ID: 20543203). This variant is reported in 0.0050% of alleles in individuals of East Asian descent in gnomAD. In addition, other missense variants at this same amino acid have also been reported as pathogenic (p.Tyr371Asp, p.Tyr371Cys, p.Tyr371Asn, and p.Tyr371Ser) (Loh et al. 2009. PubMed ID: 19571318). Based on this evidence, we interpret this variant as pathogenic.

OMIM
Classification: Pathogenic for NOONAN SYNDROME-LIKE DISORDER WITH JUVENILE MYELOMONOCYTIC LEUKEMIA. Last evaluated: 2010-10-01. Review status: no assertion criteria provided. Collection method: literature only. Allele origin: unknown. Not counted in ClinVar's aggregate classification.

Literature cited by the submitters: PubMed 20543203 (cited by 6 submitters); PubMed 19571318 (cited by 6 submitters); PubMed 20694012 (cited by 7 submitters); PubMed 25283271 (cited by 5 submitters); PubMed 25952305 (cited by 5 submitters); PubMed 28414188 (cited by 4 submitters); PubMed 23696637 (cited by Labcorp Genetics (formerly Invitae), Labcorp and Institute for Genomic Medicine (IGM) Clinical Laboratory, Nationwide Children's Hospital); PubMed 20622007 (cited by Institute for Genomic Medicine (IGM) Clinical Laboratory, Nationwide Children's Hospital); PubMed 20357823 (cited by Institute for Genomic Medicine (IGM) Clinical Laboratory, Nationwide Children's Hospital); PubMed 20619386 (cited by Victorian Clinical Genetics Services, Murdoch Childrens Research Institute); PubMed 25358541 (cited by Victorian Clinical Genetics Services, Murdoch Childrens Research Institute); PubMed 24803665 (cited by Mayo Clinic Laboratories, Mayo Clinic); PubMed 32933826 (cited by Mayo Clinic Laboratories, Mayo Clinic).